The following is an entry in ClinVar:

ClinVar aggregate classification (germline): Likely benign. Review status: criteria provided, multiple submitters, no conflicts (2 of 4 stars). 3 submissions from 3 submitters: Likely benign (2). 1 of the submissions does not count toward it. Last evaluated 2025-12-22.

Conditions:
Inborn genetic diseases. Identifiers: MedGen C0950123, MeSH D030342.
DCTN1-related disorder. Also called: DCTN1-related condition.
Perry syndrome. Also called: PARKINSONISM WITH ALVEOLAR HYPOVENTILATION AND MENTAL DEPRESSION. Identifiers: Orphanet 178509, MedGen C1868594, MONDO:0008201, OMIM 168605.
Neuronopathy, distal hereditary motor, type 7B. Also called: NEURONOPATHY, DISTAL HEREDITARY MOTOR, AUTOSOMAL DOMINANT 14; NEURONOPATHY, DISTAL HEREDITARY MOTOR, HARDING TYPE VIIB; NEUROPATHY, DISTAL HEREDITARY MOTOR, HARDING TYPE VIIB; NEUROPATHY, DISTAL HEREDITARY MOTOR, WITH VOCAL CORD PARALYSIS, HARDING TYPE VIIB; HMN VIIB; LOWER MOTOR NEURON DISEASE, DYNACTIN TYPE. Identifiers: Orphanet 139589, MedGen C1843315, MONDO:0011879, OMIM 607641.
Amyotrophic lateral sclerosis type 1 (ALS1). Also called: AMYOTROPHIC LATERAL SCLEROSIS 1, FAMILIAL. Identifiers: Orphanet 803, MedGen C1862939, MONDO:0007103, OMIM 105400.

Allele frequency attached by ClinVar (database versions not stated): gnomAD 0.00006 and 0.00008; gnomAD exomes 0.00006 and 0.00011; ExAC 0.00008; TOPMed 0.00009; 1000 Genomes Project 30x 0.00016; 1000 Genomes Project 0.00020.
gnomAD v4.1: 113 of 1,611,582 alleles (0.007%); highest among the groups gnomAD compares: Middle Eastern, 0.15%; 2 homozygotes.

Submissions (3):

Labcorp Genetics (formerly Invitae), Labcorp
Classification: Likely benign for Amyotrophic lateral sclerosis type 1; Neuronopathy, distal hereditary motor, type 7B; Perry syndrome. Last evaluated: 2025-12-22. Review status: criteria provided, single submitter. Criteria: Invitae Variant Classification Sherloc (09022015). Collection method: clinical testing. Allele origin: germline.

Ambry Genetics
Classification: Likely benign for Inborn genetic diseases. Last evaluated: 2019-11-12. Review status: criteria provided, single submitter. Criteria: Ambry Variant Classification Scheme 2023. Collection method: clinical testing. Allele origin: germline.

PreventionGenetics, part of Exact Sciences
Classification: Likely benign for DCTN1-related condition. Last evaluated: 2024-02-09. Review status: no assertion criteria provided. Collection method: clinical testing. Allele origin: germline. Not counted in ClinVar's aggregate classification.
Comment: This variant is classified as likely benign based on ACMG/AMP sequence variant interpretation guidelines (Richards et al. 2015 PMID: 25741868, with internal and published modifications).

NM_004082.5(DCTN1):c.1393-6T>C

Gene: DCTN1 (dynactin subunit 1; minus strand). Cytogenetic location: 2p13.1.
Variant type: single nucleotide variant.
Coding change: c.1393-6T>C on transcript NM_004082.5 (MANE Select); 6 bases into the intron before coding-DNA position 1393, T replaced by C.
Molecular consequence: intron variant.
Genome position (GRCh38, 1-based): chr2:74,369,497, A>G on the plus strand (T>C on the coding strand, the complement: DCTN1 is on the minus strand). VCF-style: chr2-74369497-A-G. GRCh37 (hg19) VCF-style: chr2-74596624-A-G.
Other names: c.1282-6T>C (NM_001190836.2); c.1324-6T>C (NM_001378992.1); c.1342-6T>C (NM_001378991.1); c.1333-6T>C (NM_001135040.3); c.1372-6T>C (NM_001190837.2); c.991-6T>C (NM_001135041.3, NM_023019.4).
Identifiers: ClinVar variation 704714 (VCV000704714.12), dbSNP rs72466491, ClinGen allele CA1722153.